The following is an entry in ClinVar:

ClinVar aggregate classification (germline): Uncertain significance. Review status: criteria provided, single submitter (1 of 4 stars). 2 submissions from 2 submitters: Uncertain significance (1). 1 of the submissions does not count toward it. Last evaluated 2026-03-03.

Conditions:
Galactosylceramide beta-galactosidase deficiency. Also called: Krabbe Disease; GALACTOCEREBROSIDASE DEFICIENCY; GALC DEFICIENCY; GLOBOID CELL LEUKOENCEPHALOPATHY; Leukodystrophy, Globoid Cell. Identifiers: Orphanet 487, MedGen C0023521, MONDO:0009499, OMIM 245200.

Allele frequency attached by ClinVar (database versions not stated): gnomAD 0.00001; TOPMed 0.00002; ESP Exome Variant Server 0.00008.
gnomAD v4.1: 14 of 1,612,814 alleles (0.00087%); highest among the groups gnomAD compares: Non-Finnish European, 0.0011%; no homozygotes.

Submissions (2):

Women's Health and Genetics/Laboratory Corporation of America, LabCorp
Classification: Uncertain significance. Last evaluated: 2026-03-03. Review status: criteria provided, single submitter. Criteria: LabCorp Variant Classification Summary - May 2015. Collection method: clinical testing. Allele origin: germline.
Comment: Variant summary: GALC c.*12G>A is located in the untranslated mRNA region downstream of the termination codon. The variant allele was found at a frequency of 4e-06 in 248824 control chromosomes (gnomAD). The available data on variant occurrences in the general population are insufficient to allow any conclusion about variant significance. c.*12G>A has been reported in an infant that had low GALC activity in dried blood spot test (Orsini_2016). This report does not provide unequivocal conclusions about association of the variant with Krabbe Disease. To our knowledge, no experimental evidence demonstrating an impact on protein function has been reported. The following publication have been ascertained in the context of this evaluation (PMID: 26795590). ClinVar contains an entry for this variant (Variation ID: 553369). Based on the evidence outlined above, the variant was classified as uncertain significance.

Counsyl
Classification: Uncertain significance for Galactosylceramide beta-galactosidase deficiency. Last evaluated: 2017-08-16. Review status: no assertion criteria provided. Collection method: clinical testing. Allele origin: unknown. Not counted in ClinVar's aggregate classification.

Literature cited by the submitters: PubMed 26795590 (cited by Women's Health and Genetics/Laboratory Corporation of America, LabCorp and Counsyl).

NM_000153.4(GALC):c.*12G>A

Gene: GALC (galactosylceramidase; minus strand). Cytogenetic location: 14q31.3.
Variant type: single nucleotide variant.
Coding change: c.*12G>A on transcript NM_000153.4 (MANE Select); 12 bases downstream of the stop codon, G replaced by A.
Molecular consequence: 3 prime UTR variant.
Genome position (GRCh38, 1-based): chr14:87,934,720, C>T on the plus strand (G>A on the coding strand, the complement: GALC is on the minus strand). VCF-style: chr14-87934720-C-T. GRCh37 (hg19) VCF-style: chr14-88401064-C-T.
Other names: c.*12G>A (NM_001201401.2, NM_001201402.2).
Identifiers: ClinVar variation 553369 (VCV000553369.4), dbSNP rs372641636, ClinGen allele CA7296820.